The following is an entry in ClinVar:

ClinVar aggregate classification (germline): Pathogenic (1 of 4 stars; one submission).

Conditions:
Lafora disease. Also called: Epilepsy progressive myoclonic 2; Progressive Myoclonus Epilepsy, Lafora Type. Identifiers: Orphanet 501, MedGen C0751783, MONDO:0009697.

Submission:

Labcorp Genetics (formerly Invitae), Labcorp
Classification: Pathogenic for Lafora disease. Last evaluated: 2025-12-15. Review status: criteria provided, single submitter. Criteria: Invitae Variant Classification Sherloc (09022015). Collection method: clinical testing. Allele origin: germline.
Comment: This sequence change creates a premature translational stop signal (p.Val267Glyfs*32) in the NHLRC1 gene. While this is not anticipated to result in nonsense mediated decay, it is expected to disrupt the last 129 amino acid(s) of the NHLRC1 protein. This variant is present in population databases (no rsID available, gnomAD 0.007%). This variant has not been reported in the literature in individuals affected with NHLRC1-related conditions. ClinVar contains an entry for this variant (Variation ID: 1453372). This variant disrupts a region of the NHLRC1 protein in which other variant(s) (p.Ser364*) have been determined to be pathogenic (internal data). This suggests that this is a clinically significant region of the protein, and that variants that disrupt it are likely to be disease-causing. For these reasons, this variant has been classified as Pathogenic.

NM_198586.3(NHLRC1):c.799dup (p.Val267fs)

Gene: NHLRC1 (NHL repeat containing E3 ubiquitin protein ligase 1; minus strand). Cytogenetic location: 6p22.3.
Variant type: Duplication.
Coding change: c.799dup on transcript NM_198586.3 (MANE Select); coding-DNA position 799, one base duplicated (G; older notation c.799dupG).
Protein change: p.Val267fs; shifts the reading frame from valine 267.
Molecular consequence: frameshift variant.
Genome position (GRCh38, 1-based): chr6:18,121,808, C duplicated on the plus strand (G on the coding strand, the reverse complement: NHLRC1 is on the minus strand); the first of 4 consecutive C bases (chr6:18,121,808-18,121,811); duplicating any one gives the same sequence. VCF-style (leftmost placement, unchanged base first): chr6-18121807-A-AC. GRCh37 (hg19) VCF-style: chr6-18122038-A-AC.
Other names: short protein forms V267fs.
Identifiers: ClinVar variation 1453372 (VCV001453372.8), dbSNP rs1362520746, ClinGen allele CA565829088.